The following is an entry in ClinVar:

NM_001085458.2(CTNND1):c.2743A>T (p.Arg915Ter)

Genes: CTNND1 (catenin delta 1; plus strand), TMX2-CTNND1 (TMX2-CTNND1 readthrough (NMD candidate); plus strand). Cytogenetic location: 11q12.1.
Variant type: single nucleotide variant.
Coding change: c.2743A>T on transcript NM_001085458.2 (MANE Select); coding-DNA position 2743, A replaced by T.
Protein change: p.Arg915Ter; replaces arginine 915 with a stop codon.
Molecular consequence: nonsense. On other transcripts: non-coding transcript variant (1).
Genome position (GRCh38, 1-based): chr11:57,815,435, A>T. VCF-style: chr11-57815435-A-T. GRCh37 (hg19) VCF-style: chr11-57582907-A-T.
Other names: c.2422A>T, p.Arg808Ter (NM_001206890.2, NM_001085464.2, NM_001085467.2 and 2 more transcripts); c.2563A>T, p.Arg855Ter (NM_001206891.2, NM_001206886.2, NM_001206888.2 and 1 more transcripts); c.2662A>T, p.Arg888Ter (NM_001331.3); c.2725A>T, p.Arg909Ter (NM_001085459.2, NM_001085460.2, NM_001085461.2 and 1 more transcripts); c.2440A>T, p.Arg814Ter (NM_001085463.2, NM_001085466.2); c.2359A>T, p.Arg787Ter (NM_001085465.2); c.2581A>T, p.Arg861Ter (NM_001206883.2, NM_001206884.2); c.2743A>T, p.Arg915Ter (NM_001206885.2); and 1 more; short protein forms R787*, R808*, R814*, R834*, R855*, R861*, R888*, R909*.
Identifiers: ClinVar variation 5019443 (VCV005019443.2).

ClinVar aggregate classification (germline): Uncertain significance (1 of 4 stars; one submission).

Conditions:
Blepharocheilodontic syndrome 2 (BCDS2). Identifiers: MedGen C4540127, MONDO:0040503, OMIM 617681.

Submission:

Juno Genomics, Hangzhou Juno Genomics, Inc
Classification: Uncertain significance for Blepharocheilodontic syndrome 2. Review status: criteria provided, single submitter. Criteria: ACMG Guidelines, 2015. Collection method: clinical testing. Allele origin: germline.
Comment: Absent from controls (or at extremely low frequency if recessive) in Genome Aggregation Database.;Null variant in a gene where loss of function (LOF) is a known mechanism of disease.